The following is an entry in ClinVar:

NM_030958.3(SLCO5A1):c.1623-15T>A

Gene: SLCO5A1 (solute carrier organic anion transporter family member 5A1; minus strand). Cytogenetic location: 8q13.3.
Variant type: single nucleotide variant.
Coding change: c.1623-15T>A on transcript NM_030958.3 (MANE Select); 15 bases into the intron before coding-DNA position 1623, T replaced by A.
Molecular consequence: intron variant.
Genome position (GRCh38, 1-based): chr8:69,682,358, A>T on the plus strand (T>A on the coding strand, the complement: SLCO5A1 is on the minus strand). VCF-style: chr8-69682358-A-T. GRCh37 (hg19) VCF-style: chr8-70594593-A-T.
Other names: c.1623-15T>A (NM_001146008.2); c.1458-15T>A (NM_001146009.1).
Identifiers: ClinVar variation 2961180 (VCV002961180.3), dbSNP rs566985628, ClinGen allele CA582880521.

ClinVar aggregate classification (germline): Uncertain significance (1 of 4 stars; one submission).

gnomAD v4.1: 3 of 1,543,752 alleles (0.00019%); highest among the groups gnomAD compares: Admixed American, 0.0022%; no homozygotes.

Submission:

Labcorp Genetics (formerly Invitae), Labcorp
Classification: Uncertain significance. Last evaluated: 2022-11-26. Review status: criteria provided, single submitter. Criteria: Invitae Variant Classification Sherloc (09022015). Collection method: clinical testing. Allele origin: germline.
Comment: In summary, the available evidence is currently insufficient to determine the role of this variant in disease. Therefore, it has been classified as a Variant of Uncertain Significance. This sequence change falls in intron 6 of the SLCO5A1 gene. It does not directly change the encoded amino acid sequence of the SLCO5A1 protein. This variant is present in population databases (no rsID available, gnomAD 0.007%). This variant has not been reported in the literature in individuals affected with SLCO5A1-related conditions. Algorithms developed to predict the effect of sequence changes on RNA splicing suggest that this variant may disrupt the consensus splice site.